The following is an entry in ClinVar:

NM_001033855.3(DCLRE1C):c.330_331del (p.Leu111fs)

Gene: DCLRE1C (DNA cross-link repair 1C; minus strand). Cytogenetic location: 10p13.
Variant type: Microsatellite.
Coding change: c.330_331del on transcript NM_001033855.3 (MANE Select); coding-DNA positions 330 to 331, 2 bases deleted (CT; older notation c.330_331delCT).
Protein change: p.Leu111fs; shifts the reading frame from leucine 111.
Molecular consequence: frameshift variant. On other transcripts: 5 prime UTR variant (5), non-coding transcript variant (3), intron variant (4).
Genome position (GRCh38, 1-based): chr10:14,936,569-14,936,570, AG deleted on the plus strand (CT on the coding strand, the reverse complement: DCLRE1C is on the minus strand); deleting any 2 consecutive bases within chr10:14,936,569-14,936,574 gives the same sequence; the c. name uses the placement nearest the transcript's 3' end. VCF-style (leftmost placement, unchanged base first): chr10-14936568-AAG-A. GRCh37 (hg19) VCF-style: chr10-14978567-AAG-A.
Other names: c.-35CT[2] (NM_001033857.3, NM_001033858.3, NM_001289077.2 and 2 more transcripts); c.330_331del, p.Leu111fs (NM_001350965.2); c.18-1010CT[2] (NM_001350966.2, NM_001289078.2, NM_001289076.2 and 1 more transcripts); short protein forms L111fs.
Identifiers: ClinVar variation 2674742 (VCV002674742.4), dbSNP rs2492077470, ClinGen allele CA2608351124.

ClinVar aggregate classification (germline): Pathogenic/Likely pathogenic. Review status: criteria provided, multiple submitters, no conflicts (2 of 4 stars). 2 submissions from 2 submitters: Pathogenic (1); Likely pathogenic (1). Last evaluated 2023-10-23.

Conditions:
Severe combined immunodeficiency due to DCLRE1C deficiency (RS-SCID). Also called: SCID, AUTOSOMAL RECESSIVE, T CELL-NEGATIVE, B CELL-NEGATIVE, NK CELL-POSITIVE, WITH SENSITIVITY TO IONIZING RADIATION. Identifiers: Orphanet 275, MedGen C1865371, MONDO:0011225, OMIM 602450.
Histiocytic medullary reticulosis. Also called: SEVERE COMBINED IMMUNODEFICIENCY WITH HYPEREOSINOPHILIA; Omenn syndrome. Identifiers: Orphanet 39041, MedGen C2700553, MONDO:0011338, OMIM 603554.

Submissions (2):

Baylor Genetics
Classification: Likely pathogenic for Histiocytic medullary reticulosis. Last evaluated: 2023-10-23. Review status: criteria provided, single submitter. Criteria: ACMG Guidelines, 2015. Collection method: clinical testing. Allele origin: unknown.

Labcorp Genetics (formerly Invitae), Labcorp
Classification: Pathogenic for Athabaskan severe combined immunodeficiency. Last evaluated: 2023-01-19. Review status: criteria provided, single submitter. Criteria: Invitae Variant Classification Sherloc (09022015). Collection method: clinical testing. Allele origin: germline.
Comment: For these reasons, this variant has been classified as Pathogenic. This variant has not been reported in the literature in individuals affected with DCLRE1C-related conditions. This variant is not present in population databases (gnomAD no frequency). This sequence change creates a premature translational stop signal (p.Leu111Thrfs*17) in the DCLRE1C gene. It is expected to result in an absent or disrupted protein product. Loss-of-function variants in DCLRE1C are known to be pathogenic (PMID: 21664875, 26123418).

Literature cited by the submitters: PubMed 21664875 (cited by Labcorp Genetics (formerly Invitae), Labcorp); PubMed 26123418 (cited by Labcorp Genetics (formerly Invitae), Labcorp).